The following is an entry in ClinVar:

ClinVar aggregate classification (germline): Uncertain significance (1 of 4 stars; one submission).

Conditions:
Familial hemophagocytic lymphohistiocytosis 2 (FHL2). Also called: PRF1-Related Familial Hemophagocytic Lymphohistiocytosis (PRF1-fHLH). Identifiers: Orphanet 540, MedGen C1863727, MONDO:0011337, OMIM 603553.

Allele frequency attached by ClinVar (database versions not stated): gnomAD exomes below 0.00001; ExAC 0.00001.
gnomAD v4.1: 4 of 1,614,196 alleles (0.00025%); highest among the groups gnomAD compares: Non-Finnish European, 0.00017%; no homozygotes.

Submission:

Labcorp Genetics (formerly Invitae), Labcorp
Classification: Uncertain significance for Familial hemophagocytic lymphohistiocytosis 2. Last evaluated: 2022-03-21. Review status: criteria provided, single submitter. Criteria: Invitae Variant Classification Sherloc (09022015). Collection method: clinical testing. Allele origin: germline.
Comment: In summary, the available evidence is currently insufficient to determine the role of this variant in disease. Therefore, it has been classified as a Variant of Uncertain Significance. Algorithms developed to predict the effect of missense changes on protein structure and function (SIFT, PolyPhen-2, Align-GVGD) all suggest that this variant is likely to be tolerated. This variant has not been reported in the literature in individuals affected with PRF1-related conditions. This variant is present in population databases (rs762457806, gnomAD 0.0009%). This sequence change replaces proline, which is neutral and non-polar, with leucine, which is neutral and non-polar, at codon 477 of the PRF1 protein (p.Pro477Leu).

NM_001083116.3(PRF1):c.1430C>T (p.Pro477Leu)

Gene: PRF1 (perforin 1; minus strand). Cytogenetic location: 10q22.1.
Variant type: single nucleotide variant.
Coding change: c.1430C>T on transcript NM_001083116.3 (MANE Select); coding-DNA position 1430, C replaced by T.
Protein change: p.Pro477Leu; replaces proline 477 with leucine.
Molecular consequence: missense variant.
Genome position (GRCh38, 1-based): chr10:70,598,291, G>A on the plus strand (C>T on the coding strand, the complement: PRF1 is on the minus strand). VCF-style: chr10-70598291-G-A. GRCh37 (hg19) VCF-style: chr10-72358047-G-A.
Other names: c.1430C>T, p.Pro477Leu (NM_005041.6); short protein forms P477L.
Identifiers: ClinVar variation 2115540 (VCV002115540.4), dbSNP rs762457806, ClinGen allele CA5538743.